The following is an entry in ClinVar:

NM_152393.4(KLHL40):c.613G>A (p.Gly205Ser)

Gene: KLHL40 (kelch like family member 40; plus strand). Cytogenetic location: 3p22.1.
Variant type: single nucleotide variant.
Coding change: c.613G>A on transcript NM_152393.4 (MANE Select); coding-DNA position 613, G replaced by A.
Protein change: p.Gly205Ser; replaces glycine 205 with serine.
Molecular consequence: missense variant.
Genome position (GRCh38, 1-based): chr3:42,686,231, G>A. VCF-style: chr3-42686231-G-A. GRCh37 (hg19) VCF-style: chr3-42727723-G-A.
Other names: c.613G>A (NM_152393.2); short protein forms G205S.
Identifiers: ClinVar variation 649999 (VCV000649999.6), dbSNP rs746095931, ClinGen allele CA352290046.
Genomic context (GRCh38, chr3:42,686,231, plus strand): 5'-GGCCTTAACGTGGAGAAGGAGGAGGCAGTGTTCGAGGCGGTGATGCGGTGGGCGGGTAGC[G>A]GCGACGCCGAGGCGCAGGCTGAGCGCCAGCGCGCGCTGCCCACCGTCTTCGAGAGCGTGC-3'
Protein context (NP_689606.2, residues 195-215): FEAVMRWAGS[Gly205Ser]DAEAQAERQR

ClinVar aggregate classification (germline): Uncertain significance. Review status: criteria provided, multiple submitters, no conflicts (2 of 4 stars). 2 submissions from 2 submitters: Uncertain significance (2). Last evaluated 2024-10-09.

Conditions:
Inborn genetic diseases. Identifiers: MedGen C0950123, MeSH D030342.
Nemaline myopathy 8 (NEM8). Also called: Nemaline myopathy 8, autosomal recessive. Identifiers: Orphanet 171430, MedGen C3809209, MONDO:0014138, OMIM 615348.

Submissions (2):

Ambry Genetics
Classification: Uncertain significance for Inborn genetic diseases. Last evaluated: 2024-10-09. Review status: criteria provided, single submitter. Criteria: Ambry Variant Classification Scheme 2023. Collection method: clinical testing. Allele origin: germline.

Labcorp Genetics (formerly Invitae), Labcorp
Classification: Uncertain significance for Nemaline myopathy 8. Last evaluated: 2022-04-21. Review status: criteria provided, single submitter. Criteria: Invitae Variant Classification Sherloc (09022015). Collection method: clinical testing. Allele origin: germline.
Comment: This variant is not present in population databases (gnomAD no frequency). In summary, the available evidence is currently insufficient to determine the role of this variant in disease. Therefore, it has been classified as a Variant of Uncertain Significance. Algorithms developed to predict the effect of missense changes on protein structure and function are either unavailable or do not agree on the potential impact of this missense change (SIFT: "Tolerated"; PolyPhen-2: "Possibly Damaging"; Align-GVGD: "Class C0"). ClinVar contains an entry for this variant (Variation ID: 649999). This variant has not been reported in the literature in individuals affected with KLHL40-related conditions. This sequence change replaces glycine, which is neutral and non-polar, with serine, which is neutral and polar, at codon 205 of the KLHL40 protein (p.Gly205Ser).